The following is an entry in ClinVar:

ClinVar aggregate classification (germline): Uncertain significance (1 of 4 stars; one submission).

Conditions:
Inborn genetic diseases. Identifiers: MedGen C0950123, MeSH D030342.

gnomAD v4.1: 1 of 1,614,044 alleles (0.000062%); highest among the groups gnomAD compares: African/African-American, 0.0013%; no homozygotes.

Submission:

Ambry Genetics
Classification: Uncertain significance for Inborn genetic diseases. Last evaluated: 2026-02-17. Review status: criteria provided, single submitter. Criteria: Ambry Variant Classification Scheme 2023. Collection method: clinical testing. Allele origin: germline.
Comment: The p.E1350K variant (also known as c.4048G>A), located in coding exon 41 of the FANCA gene, results from a G to A substitution at nucleotide position 4048. The glutamic acid at codon 1350 is replaced by lysine, an amino acid with similar properties. This amino acid position is conserved. In addition, the in silico prediction for this alteration is inconclusive. Based on the available evidence, the clinical significance of this variant remains unclear.

NM_000135.4(FANCA):c.4048G>A (p.Glu1350Lys)

Genes: FANCA (FA complementation group A; minus strand), ZNF276 (zinc finger protein 276; plus strand). Cytogenetic location: 16q24.3.
Variant type: single nucleotide variant.
Coding change: c.4048G>A on transcript NM_000135.4 (MANE Select); coding-DNA position 4048, G replaced by A.
Protein change: p.Glu1350Lys; replaces glutamic acid 1350 with lysine.
Molecular consequence: missense variant. On other transcripts: 3 prime UTR variant (2), non-coding transcript variant (4).
Genome position (GRCh38, 1-based): chr16:89,739,252, C>T on the plus strand (G>A on the coding strand, the complement: FANCA is on the minus strand). VCF-style: chr16-89739252-C-T. GRCh37 (hg19) VCF-style: chr16-89805660-C-T.
Other names: c.4048G>A, p.Glu1350Lys (NM_001286167.3); c.*1006C>T (NM_001113525.2, NM_152287.4); short protein forms E1350K.
Identifiers: ClinVar variation 4824608 (VCV004824608.1).
Genomic context (GRCh38, chr16:89,739,252, plus strand): 5'-CCACGAAGAGCTGGACCAGCTTCAAGTACATGTCCACAGCAACATGCAGGAAGGCCTCTT[C>T]CCTGATGGCCGCGTCTTCATGGAAGTAGGAGAGAAGACTAGAGGTAAAGACATAGTGACA-3'
Protein context (NP_000126.2, residues 1340-1360): SYFHEDAAIR[Glu1350Lys]EAFLHVAVDM